The following is an entry in ClinVar:

ClinVar aggregate classification (germline): Pathogenic. Review status: criteria provided, single submitter (1 of 4 stars). 2 submissions from 2 submitters: Pathogenic (1). 1 of the submissions does not count toward it. Last evaluated 2025-04-21.

Conditions:
CFTR-related disorder (CFTR-RD). Also called: CFTR-related disorders; CFTR-related condition. Identifiers: MedGen C5924204, MONDO:7770004.
Cystic fibrosis (CF). Also called: MUCOVISCIDOSIS. Identifiers: Orphanet 586, MedGen C0010674, MONDO:0009061, OMIM 219700. Disease mechanism: loss of function.

Submissions (2):

Natera, Inc.
Classification: Pathogenic for CFTR-related disorders. Last evaluated: 2025-04-21. Review status: criteria provided, single submitter. Criteria: Natera Variant Classification Schema (03/2026). Collection method: clinical testing. Allele origin: germline.
Comment: The c.3947G>A variant in CFTR is a nonsense variant predicted to introduce a stop codon at amino acid 1316. This variant is expected to result in nonsense mediated decay, truncation, or a dysfunctional protein product. This variant is rare in the general population with a frequency below the threshold expected for the associated phenotype(s). This variant has been observed in one or more individuals affected with the associated recessive disease, as either homozygous or compound heterozygous with a second variant (PMID: 1721624). Given the available evidence, this variant is classified as Pathogenic.

OMIM
Classification: Pathogenic for CYSTIC FIBROSIS. Last evaluated: 1990-12-13. Review status: no assertion criteria provided. Collection method: literature only. Allele origin: germline. Not counted in ClinVar's aggregate classification.

Literature cited by the submitters: PubMed 1721624 (cited by Natera, Inc.); PubMed 2233965 (cited by OMIM).

NM_000492.4(CFTR):c.3947G>A (p.Trp1316Ter)

Gene: CFTR (CF transmembrane conductance regulator; plus strand). Cytogenetic location: 7q31.2.
Variant type: single nucleotide variant.
Coding change: c.3947G>A on transcript NM_000492.4 (MANE Select); coding-DNA position 3947, G replaced by A.
Protein change: p.Trp1316Ter; replaces tryptophan 1316 with a stop codon.
Molecular consequence: nonsense.
Genome position (GRCh38, 1-based): chr7:117,652,915, G>A. VCF-style: chr7-117652915-G-A. GRCh37 (hg19) VCF-style: chr7-117292969-G-A.
Other names: short protein forms W1316*.
Identifiers: ClinVar variation 7133 (VCV000007133.2), dbSNP rs121909010, ClinGen allele CA325531.
Genomic context (GRCh38, chr7:117,652,915, plus strand): 5'-TTTCTGGAACATTTAGAAAAAACTTGGATCCCTATGAACAGTGGAGTGATCAAGAAATAT[G>A]GAAAGTTGCAGATGAGGTAAGGCTGCTAACTGAAATGATTTTGAAAGGGGTAACTCATAC-3'